The following is an entry in ClinVar:

ClinVar aggregate classification (germline): Likely pathogenic (1 of 4 stars; one submission).

Conditions:
Charcot-Marie-Tooth disease type 4B3. Also called: CHARCOT-MARIE-TOOTH DISEASE, DEMYELINATING, TYPE 4B3; Charcot-Marie-Tooth Neuropathy Type 4B3. Identifiers: Orphanet 363981, MedGen C3695063, MONDO:0014117, OMIM 615284.

Submission:

Baylor Genetics
Classification: Likely pathogenic for Charcot-Marie-Tooth disease type 4B3. Last evaluated: 2020-07-08. Review status: criteria provided, single submitter. Criteria: ACMG Guidelines, 2015. Collection method: clinical testing. Allele origin: unknown. Affected: yes.
Comment: This variant was determined to be likely pathogenic according to ACMG Guidelines, 2015 [PMID:25741868].

NM_002972.4(SBF1):c.161G>A (p.Trp54Ter)

Gene: SBF1 (SET binding factor 1; minus strand). Cytogenetic location: 22q13.33.
Variant type: single nucleotide variant.
Coding change: c.161G>A on transcript NM_002972.4 (MANE Select); coding-DNA position 161, G replaced by A.
Protein change: p.Trp54Ter; replaces tryptophan 54 with a stop codon.
Molecular consequence: nonsense.
Genome position (GRCh38, 1-based): chr22:50,467,904, C>T on the plus strand (G>A on the coding strand, the complement: SBF1 is on the minus strand). VCF-style: chr22-50467904-C-T. GRCh37 (hg19) VCF-style: chr22-50906333-C-T.
Other names: c.161G>A, p.Trp54Ter (NM_001365819.1); short protein forms W54*.
Identifiers: ClinVar variation 1030606 (VCV001030606.1), dbSNP rs1556436855, ClinGen allele CA412224430.